The following is an entry in ClinVar:

NM_000388.4(CASR):c.445G>A (p.Val149Ile)

Gene: CASR (calcium sensing receptor; plus strand). Cytogenetic location: 3q21.1.
Variant type: single nucleotide variant.
Coding change: c.445G>A on transcript NM_000388.4 (MANE Select); coding-DNA position 445, G replaced by A.
Protein change: p.Val149Ile; replaces valine 149 with isoleucine.
Molecular consequence: missense variant.
Genome position (GRCh38, 1-based): chr3:122,257,340, G>A. VCF-style: chr3-122257340-G-A. GRCh37 (hg19) VCF-style: chr3-121976187-G-A.
Other names: c.445G>A, p.Val149Ile (NM_001178065.2); short protein forms V149I.
Identifiers: ClinVar variation 570581 (VCV000570581.13), dbSNP rs749288251, ClinGen allele CA2569469.

ClinVar aggregate classification (germline): Conflicting classifications of pathogenicity. Review status: criteria provided, conflicting classifications (1 of 4 stars). 3 submissions from 3 submitters: Uncertain significance (2); Likely benign (1). Last evaluated 2024-05-22.

Conditions:
Familial hypocalciuric hypercalcemia (FHH). Also called: Familial benign hypercalcemia. Identifiers: Orphanet 405, MedGen C1809471, MONDO:0018458.
Autosomal dominant hypocalcemia 1 (HYPOC1). Also called: HYPOCALCEMIA, FAMILIAL. Identifiers: MedGen C3715128, MONDO:0011013, OMIM 601198.
Nephrolithiasis/nephrocalcinosis. Identifiers: MedGen CN580796.
Epilepsy, idiopathic generalized, susceptibility to, 8. Identifiers: MedGen C2752062, MONDO:0013032, OMIM 612899.
Neonatal severe primary hyperparathyroidism. Identifiers: Orphanet 417, MedGen C1832615, MONDO:0009397, OMIM 239200.
Familial hypocalciuric hypercalcemia 1. Also called: Hypercalcemia, familial benign type 1. Identifiers: Orphanet 405, Orphanet 93372, MedGen C0342637, MONDO:0007791, OMIM 145980.

Allele frequency attached by ClinVar (database versions not stated): ExAC 0.00001; gnomAD 0.00001 and 0.00002; gnomAD exomes 0.00001; TOPMed 0.00002.
gnomAD v4.1: 14 of 1,614,012 alleles (0.00087%); highest among the groups gnomAD compares: African/African-American, 0.0027%; no homozygotes.

Submissions (3):

Fulgent Genetics
Classification: Uncertain significance for Familial hypocalciuric hypercalcemia 1; Neonatal severe primary hyperparathyroidism; Autosomal dominant hypocalcemia 1; Epilepsy, idiopathic generalized, susceptibility to, 8. Last evaluated: 2024-05-22. Review status: criteria provided, single submitter. Criteria: ACMG Guidelines, 2015. Collection method: clinical testing. Allele origin: germline.

Labcorp Genetics (formerly Invitae), Labcorp
Classification: Uncertain significance for Familial hypocalciuric hypercalcemia; Autosomal dominant hypocalcemia 1. Last evaluated: 2024-04-16. Review status: criteria provided, single submitter. Criteria: Invitae Variant Classification Sherloc (09022015). Collection method: clinical testing. Allele origin: germline.
Comment: This sequence change replaces valine, which is neutral and non-polar, with isoleucine, which is neutral and non-polar, at codon 149 of the CASR protein (p.Val149Ile). This variant is present in population databases (rs749288251, gnomAD 0.004%). This variant has not been reported in the literature in individuals affected with CASR-related conditions. ClinVar contains an entry for this variant (Variation ID: 570581). Algorithms developed to predict the effect of missense changes on protein structure and function output the following: SIFT: "Not Available"; PolyPhen-2: "Benign"; Align-GVGD: "Not Available". The isoleucine amino acid residue is found in multiple mammalian species, which suggests that this missense change does not adversely affect protein function. In summary, the available evidence is currently insufficient to determine the role of this variant in disease. Therefore, it has been classified as a Variant of Uncertain Significance.

Ambry Genetics
Classification: Likely benign for Nephrolithiasis/nephrocalcinosis. Last evaluated: 2022-10-24. Review status: criteria provided, single submitter. Criteria: Ambry Variant Classification Scheme 2023. Collection method: clinical testing. Allele origin: germline.